The following is an entry in ClinVar:

NM_005902.4(SMAD3):c.346A>T (p.Lys116Ter)

Gene: SMAD3 (SMAD family member 3; plus strand). Cytogenetic location: 15q22.33.
Variant type: single nucleotide variant.
Coding change: c.346A>T on transcript NM_005902.4 (MANE Select); coding-DNA position 346, A replaced by T.
Protein change: p.Lys116Ter; replaces lysine 116 with a stop codon.
Molecular consequence: nonsense.
Genome position (GRCh38, 1-based): chr15:67,165,034, A>T. VCF-style: chr15-67165034-A-T. GRCh37 (hg19) VCF-style: chr15-67457372-A-T.
Other names: c.31A>T, p.Lys11Ter (NM_001145102.2, NM_001407015.1, NM_001407016.1); c.214A>T, p.Lys72Ter (NM_001145103.2); c.346A>T, p.Lys116Ter (NM_001407011.1, NM_001407012.1, NM_001407013.1); c.199A>T, p.Lys67Ter (NM_001407014.1); short protein forms K11*, K116*, K67*, K72*.
Identifiers: ClinVar variation 3958352 (VCV003958352.2).

ClinVar aggregate classification (germline): Pathogenic/Likely pathogenic. Review status: criteria provided, multiple submitters, no conflicts (2 of 4 stars). 2 submissions from 2 submitters: Pathogenic (1); Likely pathogenic (1). Last evaluated 2025-06-11.

Conditions:
Familial thoracic aortic aneurysm and aortic dissection (TAAD). Also called: Thoracic aortic aneurysms and dissections. Identifiers: Orphanet 91387, MedGen C4707243, MONDO:0019625.
SMAD3-related disorder. Also called: SMAD3-related condition.

Submissions (2):

Ambry Genetics
Classification: Pathogenic for Familial thoracic aortic aneurysm and aortic dissection. Last evaluated: 2025-06-11. Review status: criteria provided, single submitter. Criteria: Ambry Variant Classification Scheme 2023. Collection method: clinical testing. Allele origin: germline.
Comment: The p.K116* pathogenic mutation (also known as c.346A>T), located in coding exon 2 of the SMAD3 gene, results from an A to T substitution at nucleotide position 346. This changes the amino acid from a lysine to a stop codon within coding exon 2. This variant was reported in individual(s) with features consistent with thoracic aortic aneurysm and dissection (TAAD) (Ambry internal data). This variant is considered to be rare based on population cohorts in the Genome Aggregation Database (gnomAD). This alteration is expected to result in loss of function by premature protein truncation or nonsense-mediated mRNA decay. As such, this alteration is interpreted as a disease-causing mutation.

Blueprint Genetics
Classification: Likely pathogenic for SMAD3-related disorders. Last evaluated: 2020-09-22. Review status: criteria provided, single submitter. Criteria: ACMG Guidelines, 2015. Collection method: clinical testing. Allele origin: germline. Affected: yes. Observed: 3 variant alleles.